The following is an entry in ClinVar:

NM_000245.4(MET):c.3505A>T (p.Ile1169Phe)

Gene: MET (MET proto-oncogene, receptor tyrosine kinase; plus strand). Cytogenetic location: 7q31.2.
Variant type: single nucleotide variant.
Coding change: c.3505A>T on transcript NM_000245.4 (MANE Select); coding-DNA position 3505, A replaced by T.
Protein change: p.Ile1169Phe; replaces isoleucine 1169 with phenylalanine.
Molecular consequence: missense variant.
Genome position (GRCh38, 1-based): chr7:116,778,940, A>T. VCF-style: chr7-116778940-A-T. GRCh37 (hg19) VCF-style: chr7-116418994-A-T.
Other names: c.3559A>T, p.Ile1187Phe (NM_001127500.3); c.2215A>T, p.Ile739Phe (NM_001324402.2); short protein forms I1169F, I1187F, I739F.
Identifiers: ClinVar variation 1320824 (VCV001320824.2), dbSNP rs752109953, ClinGen allele CA368990331.

ClinVar aggregate classification (germline): Uncertain significance (1 of 4 stars; one submission).

gnomAD v4.1: 1 of 1,613,858 alleles (0.000062%); highest among the groups gnomAD compares: Non-Finnish European, 0.000085%; no homozygotes.

Submission:

GeneDx
Classification: Uncertain significance. Last evaluated: 2019-09-24. Review status: criteria provided, single submitter. Criteria: GeneDx Variant Classification Process June 2021. Collection method: clinical testing. Allele origin: germline. Affected: yes.
Comment: Not observed in large population cohorts (Lek et al., 2016); In silico analysis, which includes protein predictors and evolutionary conservation, supports a deleterious effect; Has not been previously published as pathogenic or benign to our knowledge